The following is an entry in ClinVar:

ClinVar aggregate classification (germline): Conflicting classifications of pathogenicity. Review status: criteria provided, conflicting classifications (1 of 4 stars). 4 submissions from 4 submitters: Pathogenic (1); Likely pathogenic (1); Uncertain significance (1). 1 of the submissions does not count toward it. Last evaluated 2026-02-02.

Conditions:
Cardiovascular phenotype. Identifiers: MedGen CN230736.

Submissions (4):

Dasa
Classification: Likely pathogenic. Last evaluated: 2026-02-02. Review status: criteria provided, single submitter. Criteria: DASA Assertion Criteria. Collection method: clinical testing. Allele origin: germline.
Comment: NM_170707.4(LMNA):c.743T>C (p.Leu248Pro) is a missense variant that results in the substitution of leucine with proline. Functional evidence supports a deleterious effect on the gene or gene product (PMID: 14684700; PMID: 34862408). This variant has been recurrently observed in individuals with related phenotype (PMID: 14684700; PMID: 34862408). Multiple computational predictions support a deleterious effect on the gene or gene product. The variant is present at low frequency in population datasets. Based on the available data, this variant is classified as likely pathogenic.

GeneDx
Classification: Pathogenic. Last evaluated: 2025-02-18. Review status: criteria provided, single submitter. Criteria: GeneDx Variant Classification Process June 2021. Collection method: clinical testing. Allele origin: germline. Affected: yes.
Comment: Published functional studies demonstrate p.(L248P) results in significantly increased protein aggregation consistent with protein misfolding (PMID: 34862408); In silico analysis supports that this missense variant has a deleterious effect on protein structure/function; Not observed at significant frequency in large population cohorts (gnomAD); This variant is associated with the following publications: (PMID: 14684700, 29764566, 25563468, 10939567, 21596026, 34862408)

Ambry Genetics
Classification: Uncertain significance for Cardiovascular phenotype. Last evaluated: 2021-03-03. Review status: criteria provided, single submitter. Criteria: Ambry Variant Classification Scheme 2023. Collection method: clinical testing. Allele origin: germline.
Comment: The p.L248P variant (also known as c.743T>C), located in coding exon 4 of the LMNA gene, results from a T to C substitution at nucleotide position 743. The leucine at codon 248 is replaced by proline, an amino acid with similar properties. This variant was reported in an individual with familial Emery-Dreifuss muscular dystrophy, who had elbow contractures and humeroperoneal myopathy with no cardiac findings (Vytopil M et al. J Med Genet, 2003 Dec;40:e132). This amino acid position is well conserved in available vertebrate species. In addition, this alteration is predicted to be deleterious by in silico analysis. Since supporting evidence is limited at this time, the clinical significance of this alteration remains unclear.

Epithelial Biology;  Institute of Medical Biology, Singapore
No classification provided. Review status: no classification provided. Collection method: not provided. Allele origin: not provided. Not counted in ClinVar's aggregate classification.

Literature cited by the submitters: PubMed 14684700 (cited by Dasa and Ambry Genetics); PubMed 34862408 (cited by Dasa); PubMed 17594594 (cited by Ambry Genetics); PubMed 25563468 (cited by Ambry Genetics).

NM_170707.4(LMNA):c.743T>C (p.Leu248Pro)

Gene: LMNA (lamin A/C; plus strand). Cytogenetic location: 1q22.
Variant type: single nucleotide variant.
Coding change: c.743T>C on transcript NM_170707.4 (MANE Select); coding-DNA position 743, T replaced by C.
Protein change: p.Leu248Pro; replaces leucine 248 with proline.
Molecular consequence: missense variant.
Genome position (GRCh38, 1-based): chr1:156,134,908, T>C. VCF-style: chr1-156134908-T-C. GRCh37 (hg19) VCF-style: chr1-156104699-T-C.
Other names: c.407T>C, p.Leu136Pro (NM_001257374.3); c.500T>C, p.Leu167Pro (NM_001282624.2); c.743T>C, p.Leu248Pro (NM_001282625.2, NM_001282626.2, NM_005572.4 and 1 more transcripts); short protein forms L248P, L167P, L136P.
Identifiers: ClinVar variation 66930 (VCV000066930.5), dbSNP rs58850446, ClinGen allele CA018545.